The following is an entry in ClinVar:

NM_001354736.1(PFKM):c.205+123A>G

Gene: PFKM (phosphofructokinase, muscle; plus strand). Cytogenetic location: 12q13.11.
Variant type: single nucleotide variant.
Coding change: c.205+123A>G on transcript NM_001354736.1; 123 bases into the intron after coding-DNA position 205, A replaced by G.
Molecular consequence: intron variant.
Genome position (GRCh38, 1-based): chr12:48,108,317, A>G. VCF-style: chr12-48108317-A-G. GRCh37 (hg19) VCF-style: chr12-48502100-A-G.
Other names: c.-81+2898A>G (NM_001354741.2); c.-9+2898A>G (NM_001354742.2); c.-85+2898A>G (NM_001354747.2); c.-9+2507A>G (NM_001354743.2); c.205+123A>G (NM_001166686.2, NM_001439058.1, NM_001354737.1 and 3 more transcripts).
Identifiers: ClinVar variation 676170 (VCV000676170.5), dbSNP rs725454, ClinGen allele CA13646615.
Genomic context (GRCh38, chr12:48,108,317, plus strand): 5'-GCATAGTATTATAAATCAGCGTAGACCTACTAAAGCTGAAATATAAGACCCAAGGGGGAA[A>G]GTCTGTGTGTGTGTGAAACAGAGAGAGAGAGAAAGAGAGAGAGAAAGAGAAAGAGGGATG-3'

ClinVar aggregate classification (germline): Benign. Review status: criteria provided, multiple submitters, no conflicts (2 of 4 stars). 2 submissions from 2 submitters: Benign (2). Last evaluated 2018-06-16.

Allele frequency attached by ClinVar (database versions not stated): TOPMed 0.18297; gnomAD exomes 0.19961; 1000 Genomes Project 30x 0.16006; 1000 Genomes Project 0.16214; gnomAD 0.18082 and 0.18000.
gnomAD v4.1: 152,978 of 780,738 alleles (20%); highest among the groups gnomAD compares: East Asian, 22%; 16,172 homozygotes.

Submissions (5):

GeneDx
Classification: Benign. Last evaluated: 2018-06-16. Review status: criteria provided, single submitter. Criteria: GeneDx Variant Classification (06012015). Collection method: clinical testing. Allele origin: germline. Affected: yes.
Comment: This variant is considered likely benign or benign based on one or more of the following criteria: it is a conservative change, it occurs at a poorly conserved position in the protein, it is predicted to be benign by multiple in silico algorithms, and/or has population frequency not consistent with disease.

Breakthrough Genomics
Classification: Benign. Review status: criteria provided, single submitter. Criteria: ACMG Guidelines, 2015. Collection method: not provided. Allele origin: germline. Inheritance: Autosomal recessive inheritance. Affected: yes.

Dr. Peter K. Rogan Lab, Western University
No classification provided (evidence only). Condition: Uterine carcinosarcoma. Review status: no classification provided. Collection method: in vitro. Allele origin: not applicable. Functional consequence: retained intron. Not counted in ClinVar's aggregate classification.

Dr. Peter K. Rogan Lab, Western University
No classification provided (evidence only). Condition: Uterine carcinosarcoma. Review status: no classification provided. Collection method: in vitro. Allele origin: not applicable. Functional consequence: retained intron. Not counted in ClinVar's aggregate classification.

Dr. Peter K. Rogan Lab, Western University
No classification provided (evidence only). Condition: Uterine carcinosarcoma. Review status: no classification provided. Collection method: in vitro. Allele origin: not applicable. Functional consequence: retained intron. Not counted in ClinVar's aggregate classification.